The following is an entry in ClinVar:

NM_001267550.2(TTN):c.30682+289_30682+291del

Gene: TTN (titin; minus strand). Cytogenetic location: 2q31.2.
Variant type: Microsatellite.
Coding change: c.30682+289_30682+291del on transcript NM_001267550.2 (MANE Select); bases 289 to 291 of the intron after coding-DNA position 30682, 3 bases deleted (CTA; older notation c.30682+289_30682+291delCTA).
Molecular consequence: intron variant.
Genome position (GRCh38, 1-based): chr2:178,700,829-178,700,831, TAG deleted on the plus strand (CTA on the coding strand, the reverse complement: TTN is on the minus strand); deleting any 3 consecutive bases within chr2:178,700,829-178,700,835 gives the same sequence; the c. name uses the placement nearest the transcript's 3' end. VCF-style (leftmost placement, unchanged base first): chr2-178700828-ATAG-A. GRCh37 (hg19) VCF-style: chr2-179565555-ATAG-A.
Other names: c.13282+37251_13282+37253del (NM_003319.4); c.13858+37251_13858+37253del (NM_133437.4); c.13657+37251_13657+37253del (NM_133432.3); c.26950+289_26950+291del (NM_133378.4); c.29731+289_29731+291del (NM_001256850.1); c.29731+289_29731+291delCTA (NM_001256850.1).
Identifiers: ClinVar variation 674280 (VCV000674280.1), dbSNP rs201005033, ClinGen allele CA60995241.

ClinVar aggregate classification (germline): Likely benign (1 of 4 stars; one submission).

Submission:

GeneDx
Classification: Likely benign. Last evaluated: 2018-06-19. Review status: criteria provided, single submitter. Criteria: GeneDx Variant Classification (06012015). Collection method: clinical testing. Allele origin: germline. Affected: yes.
Comment: This variant is considered likely benign or benign based on one or more of the following criteria: it is a conservative change, it occurs at a poorly conserved position in the protein, it is predicted to be benign by multiple in silico algorithms, and/or has population frequency not consistent with disease.